The following is an entry in ClinVar:

NM_014239.4(EIF2B2):c.380C>T (p.Ala127Val)

Gene: EIF2B2 (eukaryotic translation initiation factor 2B subunit beta; plus strand). Cytogenetic location: 14q24.3.
Variant type: single nucleotide variant.
Coding change: c.380C>T on transcript NM_014239.4 (MANE Select); coding-DNA position 380, C replaced by T.
Protein change: p.Ala127Val; replaces alanine 127 with valine.
Molecular consequence: missense variant.
Genome position (GRCh38, 1-based): chr14:75,003,646, C>T. VCF-style: chr14-75003646-C-T. GRCh37 (hg19) VCF-style: chr14-75470349-C-T.
Other names: short protein forms A127V.
Identifiers: ClinVar variation 445342 (VCV000445342.61), dbSNP rs150617429, ClinGen allele CA7274875.

ClinVar aggregate classification (germline): Conflicting classifications of pathogenicity. Review status: criteria provided, conflicting classifications (1 of 4 stars). 8 submissions from 8 submitters: Uncertain significance (2); Likely benign (5). 1 of the submissions does not count toward it. Last evaluated 2026-09-01.

Conditions:
EIF2B2-related disorder. Also called: EIF2B2-related condition.
Vanishing white matter disease. Also called: CACH syndrome; Childhood ataxia with diffuse central nervous system hypomyelination; Leukoencephalopathy with vanishing white matter; CACH/VWM syndrome; Cree leukoencehalopathy. Identifiers: Orphanet 135, Orphanet 99853, MedGen C1858991, MONDO:0800448.

Allele frequency attached by ClinVar (database versions not stated): 1000 Genomes Project 0.00120; gnomAD 0.00127; 1000 Genomes Project 30x 0.00141; TOPMed 0.00201; ESP Exome Variant Server 0.00208.
gnomAD v4.1: 3,623 of 1,614,184 alleles (0.22%); highest among the groups gnomAD compares: Middle Eastern, 0.36%; 8 homozygotes.

Submissions (8):

CeGaT Center for Human Genetics Tuebingen
Classification: Likely benign. Last evaluated: 2026-09-01. Review status: criteria provided, single submitter. Criteria: CeGaT Center For Human Genetics Tuebingen Variant Classification Criteria Version 2. Collection method: clinical testing. Allele origin: germline. Affected: yes. Observed: 14 variant alleles.
Comment: EIF2B2: BS2

Labcorp Genetics (formerly Invitae), Labcorp
Classification: Likely benign. Last evaluated: 2026-01-28. Review status: criteria provided, single submitter. Criteria: Invitae Variant Classification Sherloc (09022015). Collection method: clinical testing. Allele origin: germline.

Blueprint Genetics
Classification: Likely benign. Last evaluated: 2024-11-27. Review status: criteria provided, single submitter. Criteria: ACMG Guidelines, 2015. Collection method: clinical testing. Allele origin: germline.

GeneDx
Classification: Likely benign. Last evaluated: 2020-08-31. Review status: criteria provided, single submitter. Criteria: GeneDx Variant Classification Process June 2021. Collection method: clinical testing. Allele origin: germline. Affected: yes.
Comment: This variant is associated with the following publications: (PMID: 26740508)

Dubai Health Genomic Medicine Center, Dubai Health
Classification: Likely benign for Leukoencephalopathy with vanishing white matter 1. Last evaluated: 2020-03-19. Review status: criteria provided, single submitter. Criteria: ACMG Guidelines, 2015. Collection method: clinical testing. Allele origin: germline. Affected: yes.

Center for Pediatric Genomic Medicine, Children's Mercy Hospital and Clinics
Classification: Uncertain significance. Last evaluated: 2017-09-11. Review status: criteria provided, single submitter. Criteria: ACMG Guidelines, 2015. Collection method: clinical testing. Allele origin: germline.

Illumina Laboratory Services, Illumina
Classification: Uncertain significance for Leukoencephalopathy with vanishing white matter 1. Last evaluated: 2017-04-28. Review status: criteria provided, single submitter. Criteria: ICSL Variant Classification Criteria 13 December 2019. Collection method: clinical testing. Allele origin: germline.
Comment: This variant was observed as part of a predisposition screen in an ostensibly healthy population. A literature search was performed for the gene, cDNA change, and amino acid change (where applicable). Publications were found based on this search. However, the evidence from the literature, in combination with allele frequency data from public databases where available, was not sufficient to rule this variant in or out of causing disease. Therefore, this variant is classified as a variant of unknown significance.

PreventionGenetics, part of Exact Sciences
Classification: Likely benign for EIF2B2-related condition. Last evaluated: 2024-08-28. Review status: no assertion criteria provided. Collection method: clinical testing. Allele origin: germline. Not counted in ClinVar's aggregate classification.
Comment: This variant is classified as likely benign based on ACMG/AMP sequence variant interpretation guidelines (Richards et al. 2015 PMID: 25741868, with internal and published modifications).

Literature cited by the submitters: PubMed 26740508 (cited by Illumina Laboratory Services, Illumina).